The following is an entry in ClinVar:

NM_020987.5(ANK3):c.9349A>G (p.Ile3117Val)

Gene: ANK3 (ankyrin 3; minus strand). Cytogenetic location: 10q21.2.
Variant type: single nucleotide variant.
Coding change: c.9349A>G on transcript NM_020987.5 (MANE Select); coding-DNA position 9349, A replaced by G.
Protein change: p.Ile3117Val; replaces isoleucine 3117 with valine.
Molecular consequence: missense variant. On other transcripts: intron variant (4).
Genome position (GRCh38, 1-based): chr10:60,071,532, T>C on the plus strand (A>G on the coding strand, the complement: ANK3 is on the minus strand). VCF-style: chr10-60071532-T-C. GRCh37 (hg19) VCF-style: chr10-61831290-T-C.
Other names: c.4388-3523A>G (NM_001204403.2); c.4409-3523A>G (NM_001204404.2); c.4406-3523A>G (NM_001320874.2); c.1808-3523A>G (NM_001149.4); c.9349A>G (NM_020987.4); short protein forms I3117V.
Identifiers: ClinVar variation 128384 (VCV000128384.17), dbSNP rs28932171, ClinGen allele CA151817.

ClinVar aggregate classification (germline): Benign. Review status: criteria provided, multiple submitters, no conflicts (2 of 4 stars). 4 submissions from 4 submitters: Benign (2). 2 of the submissions do not count toward it. Last evaluated 2026-02-03.

Conditions:
ANK3-related disorder. Also called: ANK3-related condition.

Allele frequency attached by ClinVar (database versions not stated): 1000 Genomes Project 0.03155; ESP Exome Variant Server 0.07896; 1000 Genomes Project 30x 0.03201; gnomAD 0.07148 and 0.07385; gnomAD exomes 0.07196 and 0.09501; TOPMed 0.06868; ExAC 0.07440.
gnomAD v4.1: 148,984 of 1,611,226 alleles (9.2%); highest among the groups gnomAD compares: Non-Finnish European, 11%; 7,915 homozygotes.

Submissions (4):

Labcorp Genetics (formerly Invitae), Labcorp
Classification: Benign. Last evaluated: 2026-02-03. Review status: criteria provided, single submitter. Criteria: Invitae Variant Classification Sherloc (09022015). Collection method: clinical testing. Allele origin: germline.

Breakthrough Genomics
Classification: Benign. Review status: criteria provided, single submitter. Criteria: ACMG Guidelines, 2015. Collection method: not provided. Allele origin: germline. Inheritance: Autosomal recessive inheritance. Affected: yes.

PreventionGenetics, part of Exact Sciences
Classification: Benign for ANK3-related condition. Last evaluated: 2019-11-25. Review status: no assertion criteria provided. Collection method: clinical testing. Allele origin: germline. Not counted in ClinVar's aggregate classification.
Comment: This variant is classified as benign based on ACMG/AMP sequence variant interpretation guidelines (Richards et al. 2015 PMID: 25741868, with internal and published modifications).

Genetic Services Laboratory, University of Chicago
Classification: Likely benign for AllHighlyPenetrant. Review status: no assertion criteria provided. Collection method: clinical testing. Allele origin: germline. Inheritance: Autosomal recessive inheritance. Not counted in ClinVar's aggregate classification.
Comment: Likely benign based on allele frequency in 1000 Genomes Project or ESP global frequency and its presence in a patient with a rare or unrelated disease phenotype. NOT Sanger confirmed.